The following is an entry in ClinVar:

NM_015631.6(TCTN3):c.1176G>C (p.Leu392Phe)

Gene: TCTN3 (tectonic family member 3; minus strand). Cytogenetic location: 10q24.1.
Variant type: single nucleotide variant.
Coding change: c.1176G>C on transcript NM_015631.6 (MANE Select); coding-DNA position 1176, G replaced by C.
Protein change: p.Leu392Phe; replaces leucine 392 with phenylalanine.
Molecular consequence: missense variant.
Genome position (GRCh38, 1-based): chr10:95,683,549, C>G on the plus strand (G>C on the coding strand, the complement: TCTN3 is on the minus strand). VCF-style: chr10-95683549-C-G. GRCh37 (hg19) VCF-style: chr10-97443306-C-G.
Other names: c.1230G>C, p.Leu410Phe (NM_001013840.1); c.732G>C, p.Leu244Phe (NM_001143973.2); c.1095G>C, p.Leu365Phe (NM_001410982.1); short protein forms L244F, L365F, L392F, L410F.
Identifiers: ClinVar variation 1713520 (VCV001713520.5), dbSNP rs931265396, ClinGen allele CA377704454.
Genomic context (GRCh38, chr10:95,683,549, plus strand): 5'-CTGCAACAGGCCACCCAGCTCTAAAAAGGATACTGAGTAACTTATATCATCAGTCAGAGC[C>G]AAGAGTGGCTTCCCAACTATATAGCCAGGATTCCCACTTCTAGGACTGGTGAGAGAAGCA-3'
Protein context (NP_056446.4, residues 382-402): NPGYIVGKPL[Leu392Phe]ALTDDISYSM

ClinVar aggregate classification (germline): Uncertain significance (1 of 4 stars; one submission).

Conditions:
Joubert syndrome 18 (JBTS18). Identifiers: Orphanet 2754, MedGen C3553758, MONDO:0013896, OMIM 614815.
Orofacial-digital syndrome IV (OFD4). Also called: BARAITSER-BURN SYNDROME; OFD SYNDROME WITH TIBIAL DEFECTS; OFD SYNDROME, BARAITSER-BURN TYPE; OFDS IV; ORAL-FACIAL-DIGITAL SYNDROME, TYPE IV; MOHR-MAJEWSKI SYNDROME. Identifiers: Orphanet 2753, MedGen C0406727, MONDO:0009794, OMIM 258860.

gnomAD v4.1: 1 of 1,614,134 alleles (0.000062%); highest among the groups gnomAD compares: African/African-American, 0.0013%; no homozygotes.

Submission:

Labcorp Genetics (formerly Invitae), Labcorp
Classification: Uncertain significance for Joubert syndrome 18; Orofacial-digital syndrome IV. Last evaluated: 2022-07-23. Review status: criteria provided, single submitter. Criteria: Invitae Variant Classification Sherloc (09022015). Collection method: clinical testing. Allele origin: germline.
Comment: This variant has not been reported in the literature in individuals affected with TCTN3-related conditions. This sequence change replaces leucine, which is neutral and non-polar, with phenylalanine, which is neutral and non-polar, at codon 392 of the TCTN3 protein (p.Leu392Phe). This variant is not present in population databases (gnomAD no frequency). Algorithms developed to predict the effect of missense changes on protein structure and function are either unavailable or do not agree on the potential impact of this missense change (SIFT: "Tolerated"; PolyPhen-2: "Probably Damaging"; Align-GVGD: "Class C0"). In summary, the available evidence is currently insufficient to determine the role of this variant in disease. Therefore, it has been classified as a Variant of Uncertain Significance.